The following is an entry in ClinVar:

ClinVar aggregate classification (germline): Uncertain significance (1 of 4 stars; one submission).

Conditions:
Pheochromocytoma. Also called: MAX-Related Hereditary Paraganglioma-Pheochromocytoma Syndrome. Identifiers: Orphanet 29072, MedGen C0031511, MONDO:0008233, OMIM 171300, HP:0002666.
Pheochromocytoma/paraganglioma syndrome 4. Also called: CAROTID BODY TUMORS AND MULTIPLE EXTRAADRENAL PHEOCHROMOCYTOMAS; PARAGANGLIOMA, FAMILIAL MALIGNANT; PARAGANGLIOMAS, HEREDITARY EXTRAADRENAL; PHEOCHROMOCYTOMA, FAMILIAL EXTRAADRENAL; Paragangliomas 4; SDHB-Related Hereditary Paraganglioma-Pheochromocytoma Syndrome (Paragangliomas 4). Identifiers: Orphanet 29072, MedGen C1861848, MONDO:0007273, OMIM 115310.
Gastrointestinal stromal tumor. Also called: Gastrointestinal stromal tumor, somatic; Gastrointestinal stroma tumor. Identifiers: Orphanet 44890, MedGen C0238198, MeSH D046152, MONDO:0011719, OMIM 606764, HP:0100723.

gnomAD v4.1: 2 of 1,614,126 alleles (0.00012%); highest among the groups gnomAD compares: Non-Finnish European, 0.00017%; no homozygotes.

Submission:

Labcorp Genetics (formerly Invitae), Labcorp
Classification: Uncertain significance for Gastrointestinal stromal tumor; Pheochromocytoma/paraganglioma syndrome 4; Pheochromocytoma. Last evaluated: 2024-03-06. Review status: criteria provided, single submitter. Criteria: Invitae Variant Classification Sherloc (09022015). Collection method: clinical testing. Allele origin: germline.
Comment: This sequence change replaces asparagine, which is neutral and polar, with serine, which is neutral and polar, at codon 66 of the SDHB protein (p.Asn66Ser). This variant is not present in population databases (gnomAD no frequency). This variant has not been reported in the literature in individuals affected with SDHB-related conditions. Advanced modeling of protein sequence and biophysical properties (such as structural, functional, and spatial information, amino acid conservation, physicochemical variation, residue mobility, and thermodynamic stability) performed at Invitae indicates that this missense variant is not expected to disrupt SDHB protein function with a negative predictive value of 80%. Algorithms developed to predict the effect of sequence changes on RNA splicing suggest that this variant may create or strengthen a splice site. In summary, the available evidence is currently insufficient to determine the role of this variant in disease. Therefore, it has been classified as a Variant of Uncertain Significance.

NM_003000.3(SDHB):c.197A>G (p.Asn66Ser)

Gene: SDHB (succinate dehydrogenase complex iron sulfur subunit B; minus strand). Cytogenetic location: 1p36.13.
Variant type: single nucleotide variant.
Coding change: c.197A>G on transcript NM_003000.3 (MANE Select); coding-DNA position 197, A replaced by G.
Protein change: p.Asn66Ser; replaces asparagine 66 with serine.
Molecular consequence: missense variant.
Genome position (GRCh38, 1-based): chr1:17,044,764, T>C on the plus strand (A>G on the coding strand, the complement: SDHB is on the minus strand). VCF-style: chr1-17044764-T-C. GRCh37 (hg19) VCF-style: chr1-17371259-T-C.
Other names: c.197A>G, p.Asn66Ser (NM_001407361.1); short protein forms N66S.
Identifiers: ClinVar variation 3762928 (VCV003762928.2).
Genomic context (GRCh38, chr1:17,044,764, plus strand): 5'-TCCCTAAATCAAATCAAGAACTCTCCTTCAATAGCTGGCTTTCACAGAGATACTCACTTA[T>C]TAAGGTCAACTTCATAAGTCTGCATATGAGGTTTGTCTCCAGCCTTGTCTGGGTCCCATC-3'
Protein context (NP_002991.2, residues 56-76): PHMQTYEVDL[Asn66Ser]KCGPMVLDAL